The following is an entry in ClinVar:

ClinVar aggregate classification (germline): Uncertain significance (1 of 4 stars; one submission).

Conditions:
Brain small vessel disease 1 with or without ocular anomalies (BSVD1). Also called: PORENCEPHALY, TYPE 1, AUTOSOMAL DOMINANT; Brain small vessel disease with or without ocular anomalies; BRAIN SMALL VESSEL DISEASE WITH HEMORRHAGE; GOULD SYNDROME 1. Identifiers: Orphanet 2940, Orphanet 36383, Orphanet 99810, MedGen C4755307, MONDO:0008289, OMIM 175780.

Submission:

3billion
Classification: Uncertain significance for Brain small vessel disease 1 with or without ocular anomalies. Last evaluated: 2023-02-23. Review status: criteria provided, single submitter. Criteria: ACMG Guidelines, 2015. Collection method: clinical testing. Allele origin: unknown. Affected: yes.
Comment: The variant is not observed in the gnomAD v2.1.1 dataset. Missense changes are a common disease-causing mechanism. In silico tool predictions suggest damaging effect of the variant on gene or gene product (REVEL: 0.91; 3Cnet: 0.69). This variant is classified as VUS according to the recommendation of ACMG/AMP guideline.

NM_001845.6(COL4A1):c.4463G>T (p.Gly1488Val)

Gene: COL4A1 (collagen type IV alpha 1 chain; minus strand). Cytogenetic location: 13q34.
Variant type: single nucleotide variant.
Coding change: c.4463G>T on transcript NM_001845.6 (MANE Select); coding-DNA position 4463, G replaced by T.
Protein change: p.Gly1488Val; replaces glycine 1488 with valine.
Molecular consequence: missense variant.
Genome position (GRCh38, 1-based): chr13:110,161,369, C>A on the plus strand (G>T on the coding strand, the complement: COL4A1 is on the minus strand). VCF-style: chr13-110161369-C-A. GRCh37 (hg19) VCF-style: chr13-110813716-C-A.
Other names: short protein forms G1488V.
Identifiers: ClinVar variation 2444192 (VCV002444192.1), dbSNP rs2501735320, ClinGen allele CA388657686.
Genomic context (GRCh38, chr13:110,161,369, plus strand): 5'-TTAATATTGCAGAACAGGAAGGGCATTGTGCTGAACTTGCGCAGGCAGCTGCCGGCCGTG[C>A]CTAGACAAGGAAGAAGACAATGTGAGATGTTTCCTTTATAATTCACAATCTATCTCTATG-3'
Protein context (NP_001836.3, residues 1478-1498): GNERAHGQDL[Gly1488Val]TAGSCLRKFS